The following is an entry in ClinVar:

NM_000492.4(CFTR):c.744-6T>G

Gene: CFTR (CF transmembrane conductance regulator; plus strand). Cytogenetic location: 7q31.2.
Variant type: single nucleotide variant.
Coding change: c.744-6T>G on transcript NM_000492.4 (MANE Select); 6 bases into the intron before coding-DNA position 744, T replaced by G.
Molecular consequence: intron variant.
Genome position (GRCh38, 1-based): chr7:117,536,542, T>G. VCF-style: chr7-117536542-T-G. GRCh37 (hg19) VCF-style: chr7-117176596-T-G.
Identifiers: ClinVar variation 237859 (VCV000237859.19), dbSNP rs878854022, ClinGen allele CA10582463.

ClinVar aggregate classification (germline): Conflicting classifications of pathogenicity. Review status: criteria provided, conflicting classifications (1 of 4 stars). 5 submissions from 5 submitters: Uncertain significance (3); Likely benign (1). 1 of the submissions does not count toward it. Last evaluated 2025-02-14.

Conditions:
CFTR-related disorder (CFTR-RD). Also called: CFTR-related condition; CFTR-related disorders. Identifiers: MedGen C5924204, MONDO:7770004.
Cystic fibrosis (CF). Also called: MUCOVISCIDOSIS. Identifiers: Orphanet 586, MedGen C0010674, MONDO:0009061, OMIM 219700. Disease mechanism: loss of function.

Allele frequency attached by ClinVar (database versions not stated): gnomAD exomes below 0.00001; TOPMed below 0.00001; gnomAD 0.00001.
gnomAD v4.1: 5 of 1,570,674 alleles (0.00032%); highest among the groups gnomAD compares: Middle Eastern, 0.017%; no homozygotes.

Submissions (5):

PreventionGenetics, part of Exact Sciences
Classification: Uncertain significance for CFTR-related condition. Last evaluated: 2025-02-14. Review status: criteria provided, single submitter. Criteria: ACMG Guidelines, 2015. Collection method: clinical testing. Allele origin: germline.
Comment: The CFTR c.744-6T>G variant is predicted to interfere with splicing. This variant is predicted to alter splicing based on available splicing prediction programs (SpliceAI, Jaganathan et al. 2019. PubMed ID: 30661751). Functional studies revealed that this variant causes skipping of exon 7 (Giorgi et al. 2015. PubMed ID: 25781545), which is predicted to result in an in-frame transcript. This variant has not been reported in a large population database (gnomAD), indicating this variant is rare. At this time, the clinical significance of this variant is uncertain due to the absence of conclusive functional and genetic evidence.

Johns Hopkins Genomics, Johns Hopkins University
Classification: Uncertain significance for Cystic fibrosis. Last evaluated: 2024-10-15. Review status: criteria provided, single submitter. Criteria: ACMG Guidelines, 2015. Collection method: clinical testing. Allele origin: germline.
Comment: This CFTR variant (rs878854022) is rare (<0.1%) in a large population dataset (gnomADv4.1.0: 5/1570674 total alleles; 0.0003%; no homozygotes) and has been reported in ClinVar (Variation ID: 237859). It has not been reported in the literature in individuals with cystic fibrosis, to our knowledge. Three bioinformatics tools predict that this variant may weaken the native splice acceptor site and lead to CFTR missplicing. This is supported by a single functional study that demonstrates that this variant is associated with CFTR exon 7 skipping and potential production of a CFTR protein lacking 42 amino acids. Due to the lack of clinical data supporting that this variant is disease-causing, we consider the clinical significance of CFTR c.744-6T>G to be uncertain at this time.

Labcorp Genetics (formerly Invitae), Labcorp
Classification: Likely benign for Cystic fibrosis. Last evaluated: 2023-03-01. Review status: criteria provided, single submitter. Criteria: Invitae Variant Classification Sherloc (09022015). Collection method: clinical testing. Allele origin: germline.

Genome-Nilou Lab
Classification: Uncertain significance for Cystic fibrosis. Last evaluated: 2021-07-22. Review status: criteria provided, single submitter. Criteria: ACMG Guidelines, 2015. Collection method: clinical testing. Allele origin: germline. Affected: no.

Counsyl
Classification: Uncertain significance for Cystic fibrosis. Last evaluated: 2017-01-25. Review status: no assertion criteria provided. Collection method: clinical testing. Allele origin: unknown. Not counted in ClinVar's aggregate classification.

Literature cited by the submitters: PubMed 25781545 (cited by Johns Hopkins Genomics, Johns Hopkins University and Counsyl).